The following is an entry in ClinVar:

NM_002439.5(MSH3):c.2544-9_2560del

Gene: MSH3 (mutS homolog 3; plus strand). Cytogenetic location: 5q14.1.
Variant type: Deletion.
Coding change: c.2544-9_2560del on transcript NM_002439.5 (MANE Select); 9 bases into the intron before coding-DNA position 2544 through coding-DNA position 2560, 26 bases deleted (TTTTTGCAGACCAACTGTACAAGAAG).
Molecular consequence: splice acceptor variant.
Genome position (GRCh38, 1-based): chr5:80,792,724-80,792,749, TTTTTGCAGACCAACTGTACAAGAAG deleted. VCF-style (leftmost placement, unchanged base first): chr5-80792723-TTTTTTGCAGACCAACTGTACAAGAAG-T. GRCh37 (hg19) VCF-style: chr5-80088542-TTTTTTGCAGACCAACTGTACAAGAAG-T.
Identifiers: ClinVar variation 3913655 (VCV003913655.1).

ClinVar aggregate classification (germline): Likely pathogenic (1 of 4 stars; one submission).

Conditions:
Hereditary cancer-predisposing syndrome. Also called: Hereditary Cancer Syndrome; Hereditary neoplastic syndrome; Neoplastic Syndromes, Hereditary; Tumor predisposition. Identifiers: Orphanet 140162, MedGen C0027672, MeSH D009386, MONDO:0015356.

Submission:

Ambry Genetics
Classification: Likely pathogenic for Hereditary cancer-predisposing syndrome. Last evaluated: 2025-06-10. Review status: criteria provided, single submitter. Criteria: Ambry Variant Classification Scheme 2023. Collection method: clinical testing. Allele origin: germline.
Comment: The c.2544-9_2560del26 variant results from a deletion of 26 nucleotides at positions c.2544-9 to c.2560 and involves the canonical splice acceptor site for coding exon 19 of the MSH3 gene. The canonical splice acceptor site is highly conserved in available vertebrate species. In silico splice site analysis predicts that this alteration will weaken the native splice acceptor site. RNA studies have demonstrated that this alteration results in abnormal splicing in the set of samples tested (Ambry internal data). This variant is considered to be rare based on population cohorts in the Genome Aggregation Database (gnomAD). Alterations that disrupt the canonical splice site are expected to cause aberrant splicing, resulting in an abnormal protein or a transcript that is subject to nonsense-mediated mRNA decay. As such, this alteration is classified as likely pathogenic.